The following is an entry in ClinVar:

ClinVar aggregate classification (germline): Uncertain significance. Review status: criteria provided, multiple submitters, no conflicts (2 of 4 stars). 2 submissions from 2 submitters: Uncertain significance (2). Last evaluated 2026-01-05.

Allele frequency attached by ClinVar (database versions not stated): ExAC 0.00018; TOPMed 0.00020; gnomAD 0.00021; ESP Exome Variant Server 0.00023; gnomAD exomes 0.00024 and 0.00035.
gnomAD v4.1: 527 of 1,611,000 alleles (0.033%); highest among the groups gnomAD compares: Non-Finnish European, 0.041%; 1 homozygote.

Submissions (2):

Labcorp Genetics (formerly Invitae), Labcorp
Classification: Uncertain significance. Last evaluated: 2026-01-05. Review status: criteria provided, single submitter. Criteria: Invitae Variant Classification Sherloc (09022015). Collection method: clinical testing. Allele origin: germline.
Comment: This sequence change replaces lysine, which is basic and polar, with arginine, which is basic and polar, at codon 532 of the SULF1 protein (p.Lys532Arg). This variant is present in population databases (rs149298828, gnomAD 0.1%), and has an allele count higher than expected for a pathogenic variant. This variant has not been reported in the literature in individuals affected with SULF1-related conditions. ClinVar contains an entry for this variant (Variation ID: 1372016). An algorithm developed to predict the effect of missense changes on protein structure and function (PolyPhen-2) suggests that this variant is likely to be tolerated. In summary, the available evidence is currently insufficient to determine the role of this variant in disease. Therefore, it has been classified as a Variant of Uncertain Significance.

Ambry Genetics
Classification: Uncertain significance. Last evaluated: 2025-05-20. Review status: criteria provided, single submitter. Criteria: Ambry Variant Classification Scheme 2023. Collection method: clinical testing. Allele origin: germline.

NM_001128205.2(SULF1):c.1595A>G (p.Lys532Arg)

Gene: SULF1 (sulfatase 1; plus strand). Cytogenetic location: 8q13.3.
Variant type: single nucleotide variant.
Coding change: c.1595A>G on transcript NM_001128205.2 (MANE Select); coding-DNA position 1595, A replaced by G.
Protein change: p.Lys532Arg; replaces lysine 532 with arginine.
Molecular consequence: missense variant. On other transcripts: non-coding transcript variant (3).
Genome position (GRCh38, 1-based): chr8:69,623,942, A>G. VCF-style: chr8-69623942-A-G. GRCh37 (hg19) VCF-style: chr8-70536177-A-G.
Other names: c.1595A>G, p.Lys532Arg (NM_001128204.2, NM_001128206.2, NM_015170.3); c.1595A>G (NM_001128205.1); short protein forms K532R.
Identifiers: ClinVar variation 1372016 (VCV001372016.10), dbSNP rs149298828, ClinGen allele CA4775937.
Genomic context (GRCh38, chr8:69,623,942, plus strand): 5'-TTTCTTCCCTTGTAAGCTACATCAGGACATCCATAGTAATGTATCTTCCCTTACTTCTAG[A>G]GTACAAGCCCAGATTTGTCCATACTCGGCAGACACGTTCCTTGTCCGTCGAATTTGAAGG-3'
Protein context (NP_001121677.1, residues 522-542): RQFLRNQGTP[Lys532Arg]YKPRFVHTRQ